The following is an entry in ClinVar:

NM_199420.4(POLQ):c.1891A>T (p.Ile631Phe)

Gene: POLQ (DNA polymerase theta; minus strand). Cytogenetic location: 3q13.33.
Variant type: single nucleotide variant.
Coding change: c.1891A>T on transcript NM_199420.4 (MANE Select); coding-DNA position 1891, A replaced by T.
Protein change: p.Ile631Phe; replaces isoleucine 631 with phenylalanine.
Molecular consequence: missense variant.
Genome position (GRCh38, 1-based): chr3:121,509,629, T>A on the plus strand (A>T on the coding strand, the complement: POLQ is on the minus strand). VCF-style: chr3-121509629-T-A. GRCh37 (hg19) VCF-style: chr3-121228476-T-A.
Other names: short protein forms I631F.
Identifiers: ClinVar variation 1782075 (VCV001782075.2), dbSNP rs761215710, ClinGen allele CA354113613.

ClinVar aggregate classification (germline): Uncertain significance (1 of 4 stars; one submission).

Submission:

Ambry Genetics
Classification: Uncertain significance. Last evaluated: 2022-06-13. Review status: criteria provided, single submitter. Criteria: Ambry Variant Classification Scheme 2023. Collection method: clinical testing. Allele origin: germline.
Comment: The p.I631F variant (also known as c.1891A>T), located in coding exon 12 of the POLQ gene, results from an A to T substitution at nucleotide position 1891. The isoleucine at codon 631 is replaced by phenylalanine, an amino acid with highly similar properties. This amino acid position is conserved. In addition, this alteration is predicted to be tolerated by in silico analysis. Since supporting evidence is limited at this time, the clinical significance of this alteration remains unclear.